The following is an entry in ClinVar:

NM_015559.3(SETBP1):c.3615G>A (p.Lys1205=)

Gene: SETBP1 (SET binding protein 1; plus strand). Cytogenetic location: 18q12.3.
Variant type: single nucleotide variant.
Coding change: c.3615G>A on transcript NM_015559.3 (MANE Select); coding-DNA position 3615, G replaced by A.
Protein change: p.Lys1205=; no amino-acid change (lysine 1205 retained).
Molecular consequence: synonymous variant.
Genome position (GRCh38, 1-based): chr18:44,952,955, G>A. VCF-style: chr18-44952955-G-A. GRCh37 (hg19) VCF-style: chr18-42532920-G-A.
Other names: c.3615G>A, p.Lys1205= (NM_001379141.1, NM_001379142.1).
Identifiers: ClinVar variation 1622977 (VCV001622977.32), dbSNP rs150509004, ClinGen allele CA8945944.

ClinVar aggregate classification (germline): Likely benign. Review status: criteria provided, multiple submitters, no conflicts (2 of 4 stars). 2 submissions from 2 submitters: Likely benign (2). Last evaluated 2025-08-22.

Allele frequency attached by ClinVar (database versions not stated): ExAC 0.00002; gnomAD exomes 0.00005; gnomAD 0.00006 and 0.00007; ESP Exome Variant Server 0.00015.
gnomAD v4.1: 123 of 1,614,026 alleles (0.0076%); highest among the groups gnomAD compares: Non-Finnish European, 0.0099%; no homozygotes.

Submissions (2):

Labcorp Genetics (formerly Invitae), Labcorp
Classification: Likely benign. Last evaluated: 2025-08-22. Review status: criteria provided, single submitter. Criteria: Invitae Variant Classification Sherloc (09022015). Collection method: clinical testing. Allele origin: germline.

CeGaT Center for Human Genetics Tuebingen
Classification: Likely benign. Last evaluated: 2023-03-01. Review status: criteria provided, single submitter. Criteria: CeGaT Center For Human Genetics Tuebingen Variant Classification Criteria Version 2. Collection method: clinical testing. Allele origin: germline. Affected: yes. Observed: 1 variant allele.
Comment: SETBP1: BP4